The following is an entry in ClinVar:

ClinVar aggregate classification (germline): Benign. Review status: criteria provided, multiple submitters, no conflicts (2 of 4 stars). 2 submissions from 2 submitters: Benign (2). Last evaluated 2018-01-13.

Conditions:
COG6-congenital disorder of glycosylation. Also called: CONGENITAL DISORDER OF GLYCOSYLATION, TYPE IIl; CDG IIl; COG6-ongenital disorder of glycosylation; COG6-CGD. Identifiers: Orphanet 464443, MedGen C3553230, MONDO:0013810, OMIM 614576.

Allele frequency attached by ClinVar (database versions not stated): 1000 Genomes Project 0.27596; TOPMed 0.27960; 1000 Genomes Project 30x 0.32730; gnomAD exomes 0.33636 and 0.40920; gnomAD 0.35836 and 0.36098; ExAC 0.44361.

Submissions (2):

Illumina Laboratory Services, Illumina
Classification: Benign for COG6-congenital disorder of glycosylation. Last evaluated: 2018-01-13. Review status: criteria provided, single submitter. Criteria: ICSL Variant Classification Criteria 13 December 2019. Collection method: clinical testing. Allele origin: germline.
Comment: This variant was observed in the ICSL laboratory as part of a predisposition screen in an ostensibly healthy population. It had not been previously curated by ICSL or reported in the Human Gene Mutation Database (HGMD: prior to June 1st, 2018), and was therefore a candidate for classification through an automated scoring system. Utilizing variant allele frequency, disease prevalence and penetrance estimates, and inheritance mode, an automated score was calculated to assess if this variant is too frequent to cause the disease. Based on the score and internal cut-off values, a variant classified as benign is not then subjected to further curation. The score for this variant resulted in a classification of benign for this disease.

Breakthrough Genomics
Classification: Benign. Review status: criteria provided, single submitter. Criteria: ACMG Guidelines, 2015. Collection method: not provided. Allele origin: germline. Inheritance: Autosomal recessive inheritance. Affected: yes.

NM_020751.3(COG6):c.*1052A>G

Gene: COG6 (component of oligomeric golgi complex 6; plus strand). Cytogenetic location: 13q14.11.
Variant type: single nucleotide variant.
Coding change: c.*1052A>G on transcript NM_020751.3 (MANE Select); 1052 bases downstream of the stop codon, A replaced by G.
Molecular consequence: 3 prime UTR variant. On other transcripts: non-coding transcript variant (1), intron variant (1).
Genome position (GRCh38, 1-based): chr13:39,752,145, A>G. VCF-style: chr13-39752145-A-G. GRCh37 (hg19) VCF-style: chr13-40326282-A-G.
Other names: c.1826+24597A>G (NM_001145079.2).
Identifiers: ClinVar variation 312159 (VCV000312159.6), dbSNP rs9943, ClinGen allele CA6958920.